The following is an entry in ClinVar:

ClinVar aggregate classification (germline): Uncertain significance (1 of 4 stars; one submission).

Submission:

GeneDx
Classification: Uncertain significance. Last evaluated: 2026-04-13. Review status: criteria provided, single submitter. Criteria: GeneDx Variant Classification Process June 2021. Collection method: clinical testing. Allele origin: germline.
Comment: Not observed at significant frequency in large population cohorts (gnomAD); In silico analysis supports that this missense variant has a deleterious effect on protein structure/function; Has not been previously published as pathogenic or benign to our knowledge

NM_005654.6(NR2F1):c.583G>T (p.Ala195Ser)

Gene: NR2F1 (nuclear receptor subfamily 2 group F member 1; plus strand). Cytogenetic location: 5q15.
Variant type: single nucleotide variant.
Coding change: c.583G>T on transcript NM_005654.6 (MANE Select); coding-DNA position 583, G replaced by T.
Protein change: p.Ala195Ser; replaces alanine 195 with serine.
Molecular consequence: missense variant.
Genome position (GRCh38, 1-based): chr5:93,588,036, G>T. VCF-style: chr5-93588036-G-T. GRCh37 (hg19) VCF-style: chr5-92923742-G-T.
Other names: c.133G>T, p.Ala45Ser (NM_001410754.1); short protein forms A195S, A45S.
Identifiers: ClinVar variation 5037114 (VCV005037114.1).